The following is an entry in ClinVar:

ClinVar aggregate classification (germline): Benign/Likely benign. Review status: criteria provided, multiple submitters, no conflicts (2 of 4 stars). 2 submissions from 2 submitters: Benign (1); Likely benign (1). Last evaluated 2025-07-24.

Conditions:
Rotor syndrome (HBLRR). Also called: HYPERBILIRUBINEMIA, ROTOR TYPE, DIGENIC; HYPERBILIRUBINEMIA, ROTOR TYPE. Identifiers: Orphanet 3111, MedGen C0220991, MONDO:0009379, OMIM 237450.

Allele frequency attached by ClinVar (database versions not stated): gnomAD 0.00344 and 0.00361; TOPMed 0.00407; ESP Exome Variant Server 0.00415; 1000 Genomes Project 0.00539; 1000 Genomes Project 30x 0.00609.
gnomAD v4.1: 979 of 1,611,708 alleles (0.061%); highest among the groups gnomAD compares: African/African-American, 1.1%; 3 homozygotes.

Submissions (2):

ARUP Laboratories, Molecular Genetics and Genomics, ARUP Laboratories
Classification: Likely benign for Rotor syndrome. Last evaluated: 2025-07-24. Review status: criteria provided, single submitter. Criteria: ARUP Molecular Germline Variant Investigation Process 2024. Collection method: clinical testing. Allele origin: germline.

Illumina Laboratory Services, Illumina
Classification: Benign for Rotor syndrome. Last evaluated: 2018-01-13. Review status: criteria provided, single submitter. Criteria: ICSL Variant Classification Criteria 13 December 2019. Collection method: clinical testing. Allele origin: germline.
Comment: This variant was observed in the ICSL laboratory as part of a predisposition screen in an ostensibly healthy population. It had not been previously curated by ICSL or reported in the Human Gene Mutation Database (HGMD: prior to June 1st, 2018), and was therefore a candidate for classification through an automated scoring system. Utilizing variant allele frequency, disease prevalence and penetrance estimates, and inheritance mode, an automated score was calculated to assess if this variant is too frequent to cause the disease. Based on the score and internal cut-off values, a variant classified as benign is not then subjected to further curation. The score for this variant resulted in a classification of benign for this disease.

NM_019844.4(SLCO1B3):c.676C>G (p.Leu226Val)

Genes: SLCO1B3 (solute carrier organic anion transporter family member 1B3; plus strand), SLCO1B3-SLCO1B7 (SLCO1B3-SLCO1B7 readthrough; plus strand). Cytogenetic location: 12p12.2.
Variant type: single nucleotide variant.
Coding change: c.676C>G on transcript NM_019844.4 (MANE Select); coding-DNA position 676, C replaced by G.
Protein change: p.Leu226Val; replaces leucine 226 with valine.
Molecular consequence: missense variant.
Genome position (GRCh38, 1-based): chr12:20,862,803, C>G. VCF-style: chr12-20862803-C-G. GRCh37 (hg19) VCF-style: chr12-21015737-C-G.
Other names: c.592C>G, p.Leu198Val (NM_001349920.2); short protein forms L226V, L198V.
Identifiers: ClinVar variation 307893 (VCV000307893.8), dbSNP rs115227445, ClinGen allele CA6475290.
Genomic context (GRCh38, chr12:20,862,803, plus strand): 5'-GTAATACTTACAGGTAGTTTGAATGCAATAGGAATGATTGGTCCAGTCATTGGCTTTGCA[C>G]TGGGATCTCTGTTTGCTAAAATGTACGTGGATATTGGATATGTAGATCTGAGTAAGTACA-3'
Protein context (NP_062818.1, residues 216-236): GMIGPVIGFA[Leu226Val]GSLFAKMYVD